The following is an entry in ClinVar:

NM_022841.7(RFX7):c.1162G>A (p.Gly388Ser)

Gene: RFX7 (regulatory factor X7; minus strand). Cytogenetic location: 15q21.3.
Variant type: single nucleotide variant.
Coding change: c.1162G>A on transcript NM_022841.7 (MANE Select); coding-DNA position 1162, G replaced by A.
Protein change: p.Gly388Ser; replaces glycine 388 with serine.
Molecular consequence: missense variant.
Genome position (GRCh38, 1-based): chr15:56,096,566, C>T on the plus strand (G>A on the coding strand, the complement: RFX7 is on the minus strand). VCF-style: chr15-56096566-C-T. GRCh37 (hg19) VCF-style: chr15-56388764-C-T.
Other names: c.871G>A, p.Gly291Ser (NM_001368073.2, NM_001368074.1, NM_001370554.1); c.1162G>A, p.Gly388Ser (NM_001370561.1); short protein forms G291S, G388S.
Identifiers: ClinVar variation 2645375 (VCV002645375.24), dbSNP rs547408029, ClinGen allele CA7578340.

ClinVar aggregate classification (germline): Likely benign (1 of 4 stars; one submission).

Allele frequency attached by ClinVar (database versions not stated): TOPMed 0.00002; gnomAD 0.00019; ExAC 0.00090; 1000 Genomes Project 30x 0.00094; 1000 Genomes Project 0.00100.
gnomAD v4.1: 414 of 1,598,420 alleles (0.026%); highest among the groups gnomAD compares: South Asian, 0.44%; 8 homozygotes.

Submission:

CeGaT Center for Human Genetics Tuebingen
Classification: Likely benign. Last evaluated: 2023-10-01. Review status: criteria provided, single submitter. Criteria: CeGaT Center For Human Genetics Tuebingen Variant Classification Criteria Version 2. Collection method: clinical testing. Allele origin: germline. Affected: yes. Observed: 1 variant allele.
Comment: RFX7: BS1